The following is an entry in ClinVar:

NM_000222.3(KIT):c.1237C>T (p.Pro413Ser)

Gene: KIT (KIT proto-oncogene, receptor tyrosine kinase; plus strand). Cytogenetic location: 4q12.
Variant type: single nucleotide variant.
Coding change: c.1237C>T on transcript NM_000222.3 (MANE Select); coding-DNA position 1237, C replaced by T.
Protein change: p.Pro413Ser; replaces proline 413 with serine.
Molecular consequence: missense variant.
Genome position (GRCh38, 1-based): chr4:54,723,589, C>T. VCF-style: chr4-54723589-C-T. GRCh37 (hg19) VCF-style: chr4-55589755-C-T.
Other names: c.1237C>T, p.Pro413Ser (NM_001093772.2, NM_001385285.1, NM_001385286.1); c.1240C>T, p.Pro414Ser (NM_001385284.1, NM_001385288.1, NM_001385290.1 and 1 more transcripts); short protein forms P413S, P414S.
Identifiers: ClinVar variation 3288759 (VCV003288759.1).

ClinVar aggregate classification (germline): Uncertain significance (1 of 4 stars; one submission).

Conditions:
Hereditary cancer-predisposing syndrome. Also called: Tumor predisposition; Hereditary Cancer Syndrome; Hereditary neoplastic syndrome; Neoplastic Syndromes, Hereditary. Identifiers: Orphanet 140162, MedGen C0027672, MeSH D009386, MONDO:0015356.

gnomAD v4.1: 1 of 1,611,982 alleles (0.000062%); highest among the groups gnomAD compares: Non-Finnish European, 0.000085%; no homozygotes.

Submission:

Ambry Genetics
Classification: Uncertain significance for Hereditary cancer-predisposing syndrome. Last evaluated: 2024-05-22. Review status: criteria provided, single submitter. Criteria: Ambry Variant Classification Scheme 2023. Collection method: clinical testing. Allele origin: germline.
Comment: The p.P413S variant (also known as c.1237C>T), located in coding exon 8 of the KIT gene, results from a C to T substitution at nucleotide position 1237. The proline at codon 413 is replaced by serine, an amino acid with similar properties. This amino acid position is conserved. In addition, the in silico prediction for this alteration is inconclusive. Based on the available evidence, the clinical significance of this variant remains unclear.